The following is an entry in ClinVar:

ClinVar aggregate classification (germline): Pathogenic/Likely pathogenic. Review status: criteria provided, multiple submitters, no conflicts (2 of 4 stars). 13 submissions from 12 submitters: Pathogenic (8); Likely pathogenic (3). 2 of the submissions do not count toward it. Last evaluated 2025-08-28.

Conditions:
USH2A-related disorder. Also called: USH2A-related condition; USH2A-related disorders. Identifiers: MedGen CN239332.
Retinitis pigmentosa (RP). Identifiers: Orphanet 791, MedGen C0035334, MeSH D012174, MONDO:0019200, OMIM 268000. Inheritance: Autosomal dominant, autosomal recessive and X linked inheritance.
Usher syndrome. Also called: Usher's syndrome; Usher Syndromes. Identifiers: Orphanet 886, MedGen CN469326, MeSH D052245, MONDO:0019501. Disease mechanism: loss of function.
Retinal dystrophy. Also called: Inherited retinal dystrophy. Identifiers: Orphanet 71862, MedGen C0854723, MeSH D058499, MONDO:0019118, HP:0000556.
Retinitis pigmentosa 39 (RP39). Identifiers: Orphanet 791, MedGen C3151138, MONDO:0013436, OMIM 613809.
Usher syndrome type 2A. Also called: USHER SYNDROME, TYPE IIA; RETINAL DISEASE IN USHER SYNDROME TYPE IIA, MODIFIER OF. Identifiers: Orphanet 231178, Orphanet 886, MedGen C1848634, MONDO:0010169, OMIM 276901.

Submissions (13):

Natera, Inc.
Classification: Pathogenic for Usher syndrome type 2A. Last evaluated: 2025-08-28. Review status: criteria provided, single submitter. Criteria: Natera Variant Classification Schema (03/2026). Collection method: clinical testing. Allele origin: germline.
Comment: The c.6159delA variant in USH2A is a frameshift variant predicted to shift the reading frame beginning at codon 2054 and leads to a stop codon 10 codons downstream. This variant is expected to result in nonsense mediated decay, truncation, or a dysfunctional protein product. This variant is rare in the general population with a frequency below the threshold expected for the associated phenotype(s). This variant has been observed in one or more individuals affected with the associated recessive disease, as either homozygous or compound heterozygous with a second variant (PMID: 37798099, 38219857). Given the available evidence, this variant is classified as Pathogenic.

Fulgent Genetics
Classification: Pathogenic for Usher syndrome type 2A; Retinitis pigmentosa 39. Last evaluated: 2024-06-13. Review status: criteria provided, single submitter. Criteria: ACMG Guidelines, 2015. Collection method: clinical testing. Allele origin: germline.

Labcorp Genetics (formerly Invitae), Labcorp
Classification: Pathogenic. Last evaluated: 2024-01-29. Review status: criteria provided, single submitter. Criteria: Invitae Variant Classification Sherloc (09022015). Collection method: clinical testing. Allele origin: germline.
Comment: This sequence change creates a premature translational stop signal (p.Glu2054Lysfs*10) in the USH2A gene. It is expected to result in an absent or disrupted protein product. Loss-of-function variants in USH2A are known to be pathogenic (PMID: 10729113, 10909849, 20507924, 25649381). This variant is present in population databases (rs769838859, gnomAD 0.08%). This premature translational stop signal has been observed in individual(s) with a USH2A-related condition (PMID: 25097241). ClinVar contains an entry for this variant (Variation ID: 497726). For these reasons, this variant has been classified as Pathogenic.

Baylor Genetics
Classification: Pathogenic for Retinitis pigmentosa 39. Last evaluated: 2024-01-01. Review status: criteria provided, single submitter. Criteria: ACMG Guidelines, 2015. Collection method: clinical testing. Allele origin: unknown.

Genome-Nilou Lab
Classification: Likely pathogenic for Retinitis pigmentosa 39. Last evaluated: 2023-11-04. Review status: criteria provided, single submitter. Criteria: ACMG Guidelines, 2015. Collection method: clinical testing. Allele origin: germline. Affected: no.

Genome-Nilou Lab
Classification: Likely pathogenic for Usher syndrome type 2A. Last evaluated: 2023-11-04. Review status: criteria provided, single submitter. Criteria: ACMG Guidelines, 2015. Collection method: clinical testing. Allele origin: germline. Affected: no.

Institute of Human Genetics, University of Leipzig Medical Center
Classification: Pathogenic for Usher syndrome type 2A. Last evaluated: 2023-08-22. Review status: criteria provided, single submitter. Criteria: ACMG Guidelines, 2015. Collection method: clinical testing. Allele origin: unknown. Inheritance: Autosomal recessive inheritance. Affected: yes.
Comment: Criteria applied: PVS1,PM3_VSTR,PM2_SUP; Identified as compund heterozygous with NM_206933.4:c.2299del

Blueprint Genetics
Classification: Pathogenic for USH2A-related disorders. Last evaluated: 2022-09-06. Review status: criteria provided, single submitter. Criteria: ACMG Guidelines, 2015. Collection method: clinical testing. Allele origin: germline. Affected: yes. Observed: 5 variant alleles.

Women's Health and Genetics/Laboratory Corporation of America, LabCorp
Classification: Likely pathogenic for Usher syndrome. Last evaluated: 2020-11-02. Review status: criteria provided, single submitter. Criteria: LabCorp Variant Classification Summary - May 2015. Collection method: clinical testing. Allele origin: germline.
Comment: Variant summary: USH2A c.6159delA (p.Glu2054LysfsX10) results in a premature termination codon, predicted to cause a truncation of the encoded protein or absence of the protein due to nonsense mediated decay, which are commonly known mechanisms for disease. Truncations downstream of this position have been classified as pathogenic by our laboratory. The variant allele was found at a frequency of 3.2e-05 in 251396 control chromosomes (gnomAD). c.6159delA has been reported in the literature in individuals with Retinitis Pigmentosa phenotype (e.g. Wang_2014, Sharon_2020). These data indicate that the variant may be associated with disease. To our knowledge, no experimental evidence demonstrating an impact on protein function has been reported. Four ClinVar submitters (evaluation after 2014) cite the variant as pathogenic/likely pathogenic. Based on the evidence outlined above, the variant was classified as likely pathogenic.

Institute of Human Genetics, Univ. Regensburg, Univ. Regensburg
Classification: Pathogenic for Retinal dystrophy. Last evaluated: 2020-01-01. Review status: criteria provided, single submitter. Criteria: ACMG Guidelines, 2015. Collection method: clinical testing. Allele origin: germline. Affected: yes.

Eurofins Ntd Llc (ga)
Classification: Pathogenic. Last evaluated: 2016-10-26. Review status: criteria provided, single submitter. Criteria: EGL Classification Definitions 2015. Collection method: clinical testing. Allele origin: germline. Observed: 1 variant allele, 1 heterozygote.

Sharon lab, Hadassah-Hebrew University Medical Center
Classification: Pathogenic for Retinitis pigmentosa. Last evaluated: 2019-06-23. Review status: no assertion criteria provided. Collection method: research. Allele origin: inherited. Affected: yes. Not counted in ClinVar's aggregate classification.

Counsyl
Classification: Likely pathogenic for Retinitis pigmentosa 39. Last evaluated: 2017-06-12. Review status: no assertion criteria provided. Collection method: clinical testing. Allele origin: unknown. Not counted in ClinVar's aggregate classification.

Literature cited by the submitters: PubMed 37798099 (cited by Natera, Inc.); PubMed 38219857 (cited by Natera, Inc.); PubMed 10729113 (cited by Labcorp Genetics (formerly Invitae), Labcorp); PubMed 10909849 (cited by Labcorp Genetics (formerly Invitae), Labcorp); PubMed 20507924 (cited by Labcorp Genetics (formerly Invitae), Labcorp); PubMed 25649381 (cited by Labcorp Genetics (formerly Invitae), Labcorp); PubMed 25097241 (cited by 4 submitters); PubMed 31456290 (cited by Women's Health and Genetics/Laboratory Corporation of America, LabCorp); PubMed 3526624 (cited by Institute of Human Genetics, Univ. Regensburg, Univ. Regensburg).

NM_206933.4(USH2A):c.6159del (p.Glu2054fs)

Gene: USH2A (usherin; minus strand). Cytogenetic location: 1q41.
Variant type: Deletion.
Coding change: c.6159del on transcript NM_206933.4 (MANE Select); coding-DNA position 6159, one base deleted (A; older notation c.6159delA).
Protein change: p.Glu2054fs; shifts the reading frame from glutamic acid 2054.
Molecular consequence: frameshift variant.
Genome position (GRCh38, 1-based): chr1:216,048,538, T deleted on the plus strand (A on the coding strand, the reverse complement: USH2A is on the minus strand); the first of 2 consecutive T bases (chr1:216,048,538-216,048,539); deleting either gives the same sequence. VCF-style (leftmost placement, unchanged base first): chr1-216048537-CT-C. GRCh37 (hg19) VCF-style: chr1-216221879-CT-C.
Other names: c.6159del (NM_206933.2); short protein forms E2054fs.
Identifiers: ClinVar variation 497726 (VCV000497726.24), dbSNP rs769838859, ClinGen allele CA1395222.